The following is an entry in ClinVar:

NM_025099.6(CTC1):c.2036G>A (p.Gly679Asp)

Gene: CTC1 (CST telomere replication complex component 1; minus strand). Cytogenetic location: 17p13.1.
Variant type: single nucleotide variant.
Coding change: c.2036G>A on transcript NM_025099.6 (MANE Select); coding-DNA position 2036, G replaced by A.
Protein change: p.Gly679Asp; replaces glycine 679 with aspartic acid.
Molecular consequence: missense variant. On other transcripts: non-coding transcript variant (1).
Genome position (GRCh38, 1-based): chr17:8,232,385, C>T on the plus strand (G>A on the coding strand, the complement: CTC1 is on the minus strand). VCF-style: chr17-8232385-C-T. GRCh37 (hg19) VCF-style: chr17-8135703-C-T.
Other names: short protein forms G679D.
Identifiers: ClinVar variation 577740 (VCV000577740.7), dbSNP rs201006130, ClinGen allele CA8372197.
Genomic context (GRCh38, chr17:8,232,385, plus strand): 5'-CCAGACTCAAGACAACCATGACCCCAAGGAGCCAACCTGGCCTGCTGCTTCTGGATGAAG[C>T]CTGGCATGCTCAGCTCCTTCCAGGAAGGGAAGCTGCTTCTCACGTCCCTCTCTACGATCA-3'
Protein context (NP_079375.3, residues 669-689): FPSWKELSMP[Gly679Asp]FIQKQQARVY

ClinVar aggregate classification (germline): Uncertain significance. Review status: criteria provided, multiple submitters, no conflicts (2 of 4 stars). 2 submissions from 2 submitters: Uncertain significance (2). Last evaluated 2024-01-23.

Conditions:
Cerebroretinal microangiopathy with calcifications and cysts 1 (CRMCC1). Identifiers: Orphanet 313838, MedGen C4552029, MONDO:0024564, OMIM 612199.
Dyskeratosis congenita. Identifiers: Orphanet 1775, MedGen C0265965, MONDO:0015780.

Allele frequency attached by ClinVar (database versions not stated): gnomAD 0.00003; TOPMed 0.00003; ESP Exome Variant Server 0.00008; 1000 Genomes Project 30x 0.00016; 1000 Genomes Project 0.00020.

Submissions (2):

Fulgent Genetics
Classification: Uncertain significance for Cerebroretinal microangiopathy with calcifications and cysts 1. Last evaluated: 2024-01-23. Review status: criteria provided, single submitter. Criteria: ACMG Guidelines, 2015. Collection method: clinical testing. Allele origin: germline.

Labcorp Genetics (formerly Invitae), Labcorp
Classification: Uncertain significance for Dyskeratosis congenita. Last evaluated: 2021-11-14. Review status: criteria provided, single submitter. Criteria: Invitae Variant Classification Sherloc (09022015). Collection method: clinical testing. Allele origin: germline.
Comment: This sequence change replaces glycine, which is neutral and non-polar, with aspartic acid, which is acidic and polar, at codon 679 of the CTC1 protein (p.Gly679Asp). The frequency data for this variant in the population databases is considered unreliable, as metrics indicate poor data quality at this position in the gnomAD database. This variant has not been reported in the literature in individuals affected with CTC1-related conditions. ClinVar contains an entry for this variant (Variation ID: 577740). Algorithms developed to predict the effect of missense changes on protein structure and function output the following: SIFT: "Tolerated"; PolyPhen-2: "Benign"; Align-GVGD: "Class C0". The aspartic acid amino acid residue is found in multiple mammalian species, which suggests that this missense change does not adversely affect protein function. In summary, the available evidence is currently insufficient to determine the role of this variant in disease. Therefore, it has been classified as a Variant of Uncertain Significance.